The following is an entry in ClinVar:

ClinVar aggregate classification (germline): Uncertain significance (1 of 4 stars; one submission).

Conditions:
Cardiovascular phenotype. Identifiers: MedGen CN230736.

Allele frequency attached by ClinVar (database versions not stated): TOPMed 0.00001.

Submission:

Ambry Genetics
Classification: Uncertain significance for Cardiovascular phenotype. Last evaluated: 2022-08-24. Review status: criteria provided, single submitter. Criteria: Ambry Variant Classification Scheme 2023. Collection method: clinical testing. Allele origin: germline.
Comment: The p.S2744C variant (also known as c.8230A>T), located in coding exon 2 of the ZNF469 gene, results from an A to T substitution at nucleotide position 8230. The serine at codon 2744 is replaced by cysteine, an amino acid with dissimilar properties. This amino acid position is conserved. In addition, this alteration is predicted to be tolerated by in silico analysis. Since supporting evidence is limited at this time, the clinical significance of this alteration remains unclear.

NM_001367624.2(ZNF469):c.8314A>T (p.Ser2772Cys)

Gene: ZNF469 (zinc finger protein 469; plus strand). Cytogenetic location: 16q24.2.
Variant type: single nucleotide variant.
Coding change: c.8314A>T on transcript NM_001367624.2 (MANE Select); coding-DNA position 8314, A replaced by T.
Protein change: p.Ser2772Cys; replaces serine 2772 with cysteine.
Molecular consequence: missense variant.
Genome position (GRCh38, 1-based): chr16:88,435,784, A>T. VCF-style: chr16-88435784-A-T. GRCh37 (hg19) VCF-style: chr16-88502192-A-T.
Other names: NM_001127464.1:c.8230A>T; short protein forms S2772C.
Identifiers: ClinVar variation 1762560 (VCV001762560.2), dbSNP rs1280230837, ClinGen allele CA397117330.